The following is an entry in ClinVar:

ClinVar aggregate classification (germline): Pathogenic/Likely pathogenic. Review status: criteria provided, multiple submitters, no conflicts (2 of 4 stars). 4 submissions from 4 submitters: Pathogenic (3); Likely pathogenic (1). Last evaluated 2024-03-25.

Conditions:
Fanconi anemia (FA). Also called: Fanconi's anemia. Identifiers: Orphanet 84, MedGen C0015625, MeSH D005199, MONDO:0019391.
Fanconi anemia complementation group A (FANCA). Also called: FANCA-Related Fanconi Anemia; Fanconi anemia, group A. Identifiers: Orphanet 84, MedGen C3469521, MONDO:0009215, OMIM 227650.

gnomAD v4.1: 1 of 1,614,216 alleles (0.000062%); highest among the groups gnomAD compares: Non-Finnish European, 0.000085%; no homozygotes.

Submissions (4):

Genomic Medicine Center of Excellence, King Faisal Specialist Hospital and Research Centre
Classification: Likely pathogenic for Fanconi anemia complementation group A. Last evaluated: 2024-03-25. Review status: criteria provided, single submitter. Criteria: ACMG Guidelines, 2015. Collection method: clinical testing. Allele origin: germline.

Quest Diagnostics Nichols Institute San Juan Capistrano
Classification: Pathogenic. Last evaluated: 2023-11-28. Review status: criteria provided, single submitter. Criteria: Quest Diagnostics criteria. Collection method: clinical testing. Allele origin: unknown.
Comment: The FANCA c.3189G>A (p.Trp1063*) variant causes the premature termination of FANCA protein synthesis. This variant has been reported in the published literature in an individual homozygous for the variant and affected with Fanconi anemia (PMID: 26799702 (2016)). This variant has not been reported in large, multi-ethnic general populations (Genome Aggregation Database). Based on the available information, this variant is classified as pathogenic.

Baylor Genetics
Classification: Pathogenic for Fanconi anemia complementation group A. Last evaluated: 2022-03-08. Review status: criteria provided, single submitter. Criteria: ACMG Guidelines, 2015. Collection method: clinical testing. Allele origin: unknown.

Labcorp Genetics (formerly Invitae), Labcorp
Classification: Pathogenic for Fanconi anemia. Last evaluated: 2020-07-08. Review status: criteria provided, single submitter. Criteria: Invitae Variant Classification Sherloc (09022015). Collection method: clinical testing. Allele origin: germline.
Comment: For these reasons, this variant has been classified as Pathogenic. Loss-of-function variants in FANCA are known to be pathogenic (PMID: 19367192). This variant has been observed in individual(s) with Fanconi anemia (PMID: 26799702). This variant is not present in population databases (ExAC no frequency). This sequence change creates a premature translational stop signal (p.Trp1063*) in the FANCA gene. It is expected to result in an absent or disrupted protein product.

Literature cited by the submitters: PubMed 26799702 (cited by Quest Diagnostics Nichols Institute San Juan Capistrano and Labcorp Genetics (formerly Invitae), Labcorp); PubMed 19367192 (cited by Labcorp Genetics (formerly Invitae), Labcorp).

NM_000135.4(FANCA):c.3189G>A (p.Trp1063Ter)

Gene: FANCA (FA complementation group A; minus strand). Cytogenetic location: 16q24.3.
Variant type: single nucleotide variant.
Coding change: c.3189G>A on transcript NM_000135.4 (MANE Select); coding-DNA position 3189, G replaced by A.
Protein change: p.Trp1063Ter; replaces tryptophan 1063 with a stop codon.
Molecular consequence: nonsense.
Genome position (GRCh38, 1-based): chr16:89,749,780, C>T on the plus strand (G>A on the coding strand, the complement: FANCA is on the minus strand). VCF-style: chr16-89749780-C-T. GRCh37 (hg19) VCF-style: chr16-89816188-C-T.
Other names: c.3189G>A (NM_000135.3); c.3189G>A, p.Trp1063Ter (NM_001286167.3); short protein forms W1063*.
Identifiers: ClinVar variation 1076167 (VCV001076167.12), dbSNP rs776391208, ClinGen allele CA397486520.